The following is an entry in ClinVar:

ClinVar aggregate classification (germline): Pathogenic (1 of 4 stars; one submission).

Submission:

Labcorp Genetics (formerly Invitae), Labcorp
Classification: Pathogenic. Last evaluated: 2023-07-03. Review status: criteria provided, single submitter. Criteria: Invitae Variant Classification Sherloc (09022015). Collection method: clinical testing. Allele origin: germline.
Comment: This variant is present in population databases (no rsID available, gnomAD 0.002%). This sequence change creates a premature translational stop signal (p.Arg205Serfs*23) in the ORC4 gene. It is expected to result in an absent or disrupted protein product. Loss-of-function variants in ORC4 are known to be pathogenic (PMID: 21358631, 21358632, 22333897). This variant has not been reported in the literature in individuals affected with ORC4-related conditions. ClinVar contains an entry for this variant (Variation ID: 2178452). Algorithms developed to predict the effect of sequence changes on RNA splicing suggest that this variant may create or strengthen a splice site. For these reasons, this variant has been classified as Pathogenic.

Literature cited by the submitters: PubMed 21358631; PubMed 21358632; PubMed 22333897.

NM_181741.4(ORC4):c.612_613del (p.Arg205fs)

Gene: ORC4 (origin recognition complex subunit 4; minus strand). Cytogenetic location: 2q23.1.
Variant type: Deletion.
Coding change: c.612_613del on transcript NM_181741.4 (MANE Select); coding-DNA positions 612 to 613, 2 bases deleted (AA; older notation c.612_613delAA).
Protein change: p.Arg205fs; shifts the reading frame from arginine 205.
Molecular consequence: frameshift variant.
Genome position (GRCh38, 1-based): chr2:147,948,200-147,948,201, TT deleted on the plus strand (AA on the coding strand, the reverse complement: ORC4 is on the minus strand); deleting any 2 consecutive bases within chr2:147,948,200-147,948,205 gives the same sequence; the c. name uses the placement nearest the transcript's 3' end. VCF-style (leftmost placement, unchanged base first): chr2-147948199-CTT-C. GRCh37 (hg19) VCF-style: chr2-148705768-CTT-C.
Other names: c.612_613del, p.Arg205fs (NM_001190879.3, NM_001374270.1, NM_002552.5); c.360_361del, p.Arg121fs (NM_001190881.3, NM_001374272.1); c.390_391del, p.Arg131fs (NM_001190882.3); c.608_609delAA, p.Arg205Serfs (NM_181742.5); short protein forms R121fs, R205fs, R131fs.
Identifiers: ClinVar variation 2178452 (VCV002178452.4), dbSNP rs1218684009, ClinGen allele CA537029351.